The following is an entry in ClinVar:

ClinVar aggregate classification (germline): Likely benign. Review status: criteria provided, multiple submitters, no conflicts (2 of 4 stars). 2 submissions from 2 submitters: Likely benign (2). Last evaluated 2024-02-05.

Allele frequency attached by ClinVar (database versions not stated): ExAC 0.00007; 1000 Genomes Project 30x 0.00104.

Submissions (2):

Ambry Genetics
Classification: Likely benign. Last evaluated: 2024-02-05. Review status: criteria provided, single submitter. Criteria: Ambry Variant Classification Scheme 2023. Collection method: clinical testing. Allele origin: germline.

CeGaT Center for Human Genetics Tuebingen
Classification: Likely benign. Last evaluated: 2023-02-01. Review status: criteria provided, single submitter. Criteria: CeGaT Center For Human Genetics Tuebingen Variant Classification Criteria Version 2. Collection method: clinical testing. Allele origin: germline. Affected: yes. Observed: 1 variant allele.
Comment: MAGEC1: BP4, BS2

NM_005462.5(MAGEC1):c.1238C>G (p.Thr413Ser)

Gene: MAGEC1 (MAGE family member C1; plus strand). Cytogenetic location: Xq27.2.
Variant type: single nucleotide variant.
Coding change: c.1238C>G on transcript NM_005462.5 (MANE Select); coding-DNA position 1238, C replaced by G.
Protein change: p.Thr413Ser; replaces threonine 413 with serine.
Molecular consequence: missense variant.
Genome position (GRCh38, 1-based): chrX:141,906,642, C>G. VCF-style: chrX-141906642-C-G. GRCh37 (hg19) VCF-style: chrX-140994428-C-G.
Other names: c.1238C>G (NM_005462.4); short protein forms T413S.
Identifiers: ClinVar variation 2661569 (VCV002661569.25), dbSNP rs201520870, ClinGen allele CA10533592.
Genomic context (GRCh38, chrX:141,906,642, plus strand): 5'-CTGAGAGAACTCACAGTACTTTTGAGGGTTTTCCCCAGTCTCCTCTCCAGATTCCTATGA[C>G]CTCCTCCTTCTCCTCTACTTTATTGAGTATTTTACAGAGTTCTCCTGAGAGTGCTCAAAG-3'
Protein context (NP_005453.2, residues 403-423): FPQSPLQIPM[Thr413Ser]SSFSSTLLSI